The following is an entry in ClinVar:

ClinVar aggregate classification (germline): Uncertain significance. Review status: reviewed by expert panel (3 of 4 stars). 3 submissions from 3 submitters: Uncertain significance (1). 2 of the submissions do not count toward it. Last evaluated 2023-05-23.

Conditions:
Leigh syndrome (NULS). Also called: Leigh Disease; Subacute necrotizing encephalopathy; Necrotizing encephalopathy infantile subacute of Leigh; LEIGH SYNDROME, NUCLEAR; Leigh's necrotizing encephalopathy; Leigh's disease. Identifiers: Orphanet 506, MedGen C2931891, MONDO:0009723, OMIM 256000.
Mitochondrial disease. Also called: Mitochondrial disorder; Mitochondrial disorders. Identifiers: Orphanet 68380, MedGen C0751651, MeSH D028361, MONDO:0044970.

Submissions (3):

ClinGen Mitochondrial Disease Nuclear and Mitochondrial  Variant Curation Expert Panel, ClinGen
Classification: Uncertain significance for Mitochondrial disease. Last evaluated: 2023-05-23. Review status: reviewed by expert panel. Criteria: clingen mito disease acmg specifications v1-1. Collection method: curation. Allele origin: germline. Inheritance: Mitochondrial inheritance.
Comment: The m.4132G>A (p.A276T) variant in MT-ND1 was reviewed by the Mitochondrial Disease Nuclear and Mitochondrial Variant Curation Expert Panel on May 23, 2023. There is one family reported in the medical literature with this variant (PMID: 17454741). The six affected individuals in this family had non-arteritic anterior ischemic optic neuropathy. The variant was present at homoplasmy in all affected family members and information is not provided on testing status in unaffected family members, precluding consideration for segregation evidence. There are no other individuals or families with primary mitochondrial disease with this variant reported in the medical literature to our knowledge. This variant is present in population databases and is seen in individuals from several different haplogroups (MITOMAP: 0.015%, 9/61,883; gnomAD v3.1.2: 0.019%, 11/56,428 homoplasmic occurrences; Helix: 0.041%, 80/195,893 homoplasmic occurrences). The computational predictor APOGEE gives a consensus rating of pathogenic with a score of 0.58 (Min=0, Max=1), which predicts a damaging effect on gene function (PP3). There are no cybrids, single fiber studies, or other functional assays reported for this variant. In summary, this variant meets criteria to be classified as uncertain significance for primary mitochondrial disease inherited in a mitochondrial manner. This classification was approved by the NICHD/NINDS U24 ClinGen Mitochondrial Disease Variant Curation Expert Panel on May 23, 2023. Mitochondrial DNA-specific ACMG/AMP criteria applied (PMID: 32906214): PP3.

Wong Mito Lab, Molecular and Human Genetics, Baylor College of Medicine
Classification: Likely benign for Leigh syndrome. Last evaluated: 2019-10-17. Review status: criteria provided, single submitter. Criteria: Modified ACMG Guidelines (Unpublished). Collection method: clinical testing. Allele origin: germline. Not counted in ClinVar's aggregate classification.
Comment: The NC_012920.1:m.4132G>A (YP_003024026.1:p.Ala276Thr) variant in MTND1 gene is interpretated to be a Likely Benign variant based on the modified ACMG guidelines (unpublished). This variant meets the following evidence codes: BP4, BP6

Center for Pediatric Genomic Medicine, Children's Mercy Hospital and Clinics
Classification: Uncertain significance. Last evaluated: 2016-07-12. Review status: criteria provided, single submitter. Criteria: ACMG Guidelines, 2015. Collection method: clinical testing. Allele origin: germline. Not counted in ClinVar's aggregate classification.
ClinVar note: Converted during submission from Uncertain Significance to Uncertain significance.

Literature cited by the submitters: PubMed 17454741 (cited by Wong Mito Lab, Molecular and Human Genetics, Baylor College of Medicine).

NC_012920.1(MT-ND1):m.4132G>A

Gene: MT-ND1 (mitochondrially encoded NADH dehydrogenase 1; plus strand).
Variant type: single nucleotide variant.
Genome position: chrM-4132-G-A.
Identifiers: ClinVar variation 377340 (VCV000377340.5), dbSNP rs1057520201, ClinGen allele CA16603348.
Genomic context (GRCh38, chrMT:4,132, plus strand): 5'-ACAACATATTTTGTCACCAAGACCCTACTTCTAACCTCCCTGTTCTTATGAATTCGAACA[G>A]CATACCCCCGATTCCGCTACGACCAACTCATACACCTCCTATGAAAAAACTTCCTACCAC-3'